The following is an entry in ClinVar:

NM_000188.3(HK1):c.2506G>T (p.Ala836Ser)

Gene: HK1 (hexokinase 1; plus strand). Cytogenetic location: 10q22.1.
Variant type: single nucleotide variant.
Coding change: c.2506G>T on transcript NM_000188.3 (MANE Select); coding-DNA position 2506, G replaced by T.
Protein change: p.Ala836Ser; replaces alanine 836 with serine.
Molecular consequence: missense variant.
Genome position (GRCh38, 1-based): chr10:69,398,725, G>T. VCF-style: chr10-69398725-G-T. GRCh37 (hg19) VCF-style: chr10-71158481-G-T.
Other names: c.2518G>T, p.Ala840Ser (NM_001322364.2, NM_001358263.1, NM_033497.3 and 1 more transcripts); c.2611G>T, p.Ala871Ser (NM_001322365.2); c.2422G>T, p.Ala808Ser (NM_001322366.1); c.2410G>T, p.Ala804Ser (NM_001322367.1); c.2503G>T, p.Ala835Ser (NM_033496.3); c.2470G>T, p.Ala824Ser (NM_033500.2); short protein forms A808S, A836S, A871S, A824S, A804S, A835S, A840S.
Identifiers: ClinVar variation 857125 (VCV000857125.10), dbSNP rs773615425, ClinGen allele CA209218314.

ClinVar aggregate classification (germline): Uncertain significance. Review status: criteria provided, multiple submitters, no conflicts (2 of 4 stars). 2 submissions from 2 submitters: Uncertain significance (2). Last evaluated 2024-09-10.

Allele frequency attached by ClinVar (database versions not stated): gnomAD 0.00002; TOPMed 0.00007.
gnomAD v4.1: 7 of 1,614,070 alleles (0.00043%); highest among the groups gnomAD compares: African/African-American, 0.0093%; no homozygotes.

Submissions (2):

Revvity Omics, Revvity
Classification: Uncertain significance. Last evaluated: 2024-09-10. Review status: criteria provided, single submitter. Criteria: ACMG Guidelines, 2015. Collection method: clinical testing. Allele origin: germline.

Labcorp Genetics (formerly Invitae), Labcorp
Classification: Uncertain significance. Last evaluated: 2022-10-04. Review status: criteria provided, single submitter. Criteria: Invitae Variant Classification Sherloc (09022015). Collection method: clinical testing. Allele origin: germline.
Comment: In summary, the available evidence is currently insufficient to determine the role of this variant in disease. Therefore, it has been classified as a Variant of Uncertain Significance. Advanced modeling of protein sequence and biophysical properties (such as structural, functional, and spatial information, amino acid conservation, physicochemical variation, residue mobility, and thermodynamic stability) performed at Invitae indicates that this missense variant is not expected to disrupt HK1 protein function. ClinVar contains an entry for this variant (Variation ID: 857125). This variant has not been reported in the literature in individuals affected with HK1-related conditions. This variant is present in population databases (no rsID available, gnomAD 0.008%). This sequence change replaces alanine, which is neutral and non-polar, with serine, which is neutral and polar, at codon 836 of the HK1 protein (p.Ala836Ser).